The following is an entry in ClinVar:

NM_004924.6(ACTN4):c.2296C>G (p.Gln766Glu)

Gene: ACTN4 (actinin alpha 4; plus strand). Cytogenetic location: 19q13.2.
Variant type: single nucleotide variant.
Coding change: c.2296C>G on transcript NM_004924.6 (MANE Select); coding-DNA position 2296, C replaced by G.
Protein change: p.Gln766Glu; replaces glutamine 766 with glutamic acid.
Molecular consequence: missense variant.
Genome position (GRCh38, 1-based): chr19:38,727,062, C>G. VCF-style: chr19-38727062-C-G. GRCh37 (hg19) VCF-style: chr19-39217702-C-G.
Other names: c.2296C>G, p.Gln766Glu (NM_001322033.2, NM_001411143.1); short protein forms Q766E.
Identifiers: ClinVar variation 3901049 (VCV003901049.1).

ClinVar aggregate classification (germline): Uncertain significance (1 of 4 stars; one submission).

Conditions:
Focal segmental glomerulosclerosis 1 (FSGS1). Identifiers: Orphanet 656, MedGen C4551527, MONDO:0011303, OMIM 603278.

Submission:

Laboratorio de Genetica e Diagnostico Molecular, Hospital Israelita Albert Einstein
Classification: Uncertain significance for Focal segmental glomerulosclerosis 1. Last evaluated: 2024-10-18. Review status: criteria provided, single submitter. Criteria: ACMG Guidelines, 2015. Collection method: clinical testing. Allele origin: germline. Affected: yes.
Comment: ACMG classification criteria: PM2 supporting, PP2 supporting, BP4 supporting